The following is an entry in ClinVar:

ClinVar aggregate classification (germline): Pathogenic (0 of 4 stars; one submission).

Conditions:
Childhood apraxia of speech (SPCH1). Also called: Speech language disorder; DEVELOPMENTAL VERBAL DYSPRAXIA; SPEECH AND LANGUAGE DISORDER WITH OROFACIAL DYSPRAXIA; FOXP2-Related Speech and Language Disorder. Identifiers: Orphanet 209908, MedGen C0750927, MONDO:0011184, OMIM 602081.

Submission:

GeneReviews
Classification: Pathogenic for Childhood apraxia of speech. Last evaluated: 2016-03-02. Review status: no assertion criteria provided. Collection method: literature only. Allele origin: germline. Affected: yes. Observed: 1 variant allele.
Comment: Speech: CAS Oromotor: Drooling, low oral motor tone Language: Severely impaired expressive & receptive Cognition: Moderate ID

Literature cited by the submitters: PubMed 17330859.

7q31.1-q31.2, 9.1 Mb deletion

Gene: FOXP2 (forkhead box P2; plus strand). Cytogenetic location: 7q31.1.
Variant type: Deletion.
Identifiers: ClinVar variation 242961 (VCV000242961.2).